The following is an entry in ClinVar:

NM_004991.4(MECOM):c.887G>A (p.Cys296Tyr)

Gene: MECOM (MDS1 and EVI1 complex locus; minus strand). Cytogenetic location: 3q26.2.
Variant type: single nucleotide variant.
Coding change: c.887G>A on transcript NM_004991.4 (MANE Select); coding-DNA position 887, G replaced by A.
Protein change: p.Cys296Tyr; replaces cysteine 296 with tyrosine.
Molecular consequence: missense variant.
Genome position (GRCh38, 1-based): chr3:169,122,671, C>T on the plus strand (G>A on the coding strand, the complement: MECOM is on the minus strand). VCF-style: chr3-169122671-C-T. GRCh37 (hg19) VCF-style: chr3-168840459-C-T.
Other names: c.515G>A, p.Cys172Tyr (NM_001105077.4); c.323G>A, p.Cys108Tyr (NM_001105078.4, NM_001163999.2, NM_001164000.2 and 9 more transcripts); c.887G>A, p.Cys296Tyr (NM_001366466.2, NM_001366473.2); short protein forms C108Y, C296Y, C172Y.
Identifiers: ClinVar variation 4624653 (VCV004624653.1).
Genomic context (GRCh38, chr3:169,122,671, plus strand): 5'-CCACTGTCATGTGACATCTGGTGGCGAATTAAATTGGACTTCCAGTTAAATGCCTTGGGA[C>T]ACTGATCACACTTGTATTCCCTCTCTTCAGTATGTGACAGCATGTGTTTCTCCAGGCTGT-3'
Protein context (NP_004982.2, residues 286-306): TEEREYKCDQ[Cys296Tyr]PKAFNWKSNL

ClinVar aggregate classification (germline): Uncertain significance (1 of 4 stars; one submission).

Conditions:
Inborn genetic diseases. Identifiers: MedGen C0950123, MeSH D030342.

Submission:

Ambry Genetics
Classification: Uncertain significance for Inborn genetic diseases. Last evaluated: 2025-10-19. Review status: criteria provided, single submitter. Criteria: Ambry Variant Classification Scheme 2023. Collection method: clinical testing. Allele origin: germline.
Comment: The p.C296Y variant (also known as c.887G>A), located in coding exon 6 of the MECOM gene, results from a G to A substitution at nucleotide position 887. The cysteine at codon 296 is replaced by tyrosine, an amino acid with highly dissimilar properties. This amino acid position is conserved. In addition, this alteration is predicted to be deleterious by in silico analysis. Based on the available evidence, the clinical significance of this variant remains unclear.